The following is an entry in ClinVar:

NM_130398.4(EXO1):c.1367C>A (p.Ser456Tyr)

Gene: EXO1 (exonuclease 1; plus strand). Cytogenetic location: 1q43.
Variant type: single nucleotide variant.
Coding change: c.1367C>A on transcript NM_130398.4 (MANE Select); coding-DNA position 1367, C replaced by A.
Protein change: p.Ser456Tyr; replaces serine 456 with tyrosine.
Molecular consequence: missense variant.
Genome position (GRCh38, 1-based): chr1:241,872,131, C>A. VCF-style: chr1-241872131-C-A. GRCh37 (hg19) VCF-style: chr1-242035433-C-A.
Other names: c.1364C>A, p.Ser455Tyr (NM_001319224.2); c.1367C>A, p.Ser456Tyr (NM_003686.4, NM_006027.4); short protein forms S455Y, S456Y.
Identifiers: ClinVar variation 3046284 (VCV003046284.2), dbSNP rs4149964, ClinGen allele CA1481332.

ClinVar aggregate classification (germline): Benign (0 of 4 stars; one submission).

Conditions:
EXO1-related disorder. Also called: EXO1-related condition.

Allele frequency attached by ClinVar (database versions not stated): gnomAD exomes 0.00035; ExAC 0.00121; gnomAD 0.00352; TOPMed 0.00406; 1000 Genomes Project 0.00439; 1000 Genomes Project 30x 0.00515; ESP Exome Variant Server 0.00538.
gnomAD v4.1: 1,058 of 1,613,958 alleles (0.066%); highest among the groups gnomAD compares: African/African-American, 1.3%; 7 homozygotes.

Submission:

PreventionGenetics, part of Exact Sciences
Classification: Benign for EXO1-related condition. Last evaluated: 2019-11-06. Review status: no assertion criteria provided. Collection method: clinical testing. Allele origin: germline.
Comment: This variant is classified as benign based on ACMG/AMP sequence variant interpretation guidelines (Richards et al. 2015 PMID: 25741868, with internal and published modifications).